The following is an entry in ClinVar:

ClinVar aggregate classification (germline): Uncertain significance. Review status: criteria provided, multiple submitters, no conflicts (2 of 4 stars). 2 submissions from 2 submitters: Uncertain significance (2). Last evaluated 2021-12-02.

Conditions:
Emery-Dreifuss muscular dystrophy 4, autosomal dominant (EDMD4). Also called: EMERY-DREIFUSS MUSCULAR DYSTROPHY 4 WITH VARIABLE FEATURES. Identifiers: Orphanet 261, MedGen C2751807, MONDO:0013071, OMIM 612998.
Autosomal recessive ataxia, Beauce type. Also called: SYNE1-Related Autosomal Recessive Cerebellar Ataxia; Spinocerebellar ataxia, autosomal recessive 8; ATAXIA, RECESSIVE, OF BEAUCE; SYNE1 Deficiency. Identifiers: Orphanet 88644, MedGen C1853116, MONDO:0012549, OMIM 610743.

Allele frequency attached by ClinVar (database versions not stated): gnomAD exomes below 0.00001.
gnomAD v4.1: 1 of 1,614,192 alleles (0.000062%); highest among the groups gnomAD compares: Non-Finnish European, 0.000085%; no homozygotes.

Submissions (2):

Labcorp Genetics (formerly Invitae), Labcorp
Classification: Uncertain significance for Emery-Dreifuss muscular dystrophy 4, autosomal dominant; Autosomal recessive ataxia, Beauce type. Last evaluated: 2021-12-02. Review status: criteria provided, single submitter. Criteria: Invitae Variant Classification Sherloc (09022015). Collection method: clinical testing. Allele origin: germline.
Comment: This sequence change replaces methionine, which is neutral and non-polar, with threonine, which is neutral and polar, at codon 6596 of the SYNE1 protein (p.Met6596Thr). This variant is not present in population databases (gnomAD no frequency). This variant has not been reported in the literature in individuals affected with SYNE1-related conditions. Algorithms developed to predict the effect of missense changes on protein structure and function (SIFT, PolyPhen-2, Align-GVGD) all suggest that this variant is likely to be disruptive. In summary, the available evidence is currently insufficient to determine the role of this variant in disease. Therefore, it has been classified as a Variant of Uncertain Significance.

Revvity Omics, Revvity
Classification: Uncertain significance. Last evaluated: 2021-06-03. Review status: criteria provided, single submitter. Criteria: ACMG Guidelines, 2015. Collection method: clinical testing. Allele origin: germline.

NM_182961.4(SYNE1):c.20000T>C (p.Met6667Thr)

Gene: SYNE1 (spectrin repeat containing nuclear envelope protein 1; minus strand). Cytogenetic location: 6q25.2.
Variant type: single nucleotide variant.
Coding change: c.20000T>C on transcript NM_182961.4 (MANE Select); coding-DNA position 20000, T replaced by C.
Protein change: p.Met6667Thr; replaces methionine 6667 with threonine.
Molecular consequence: missense variant.
Genome position (GRCh38, 1-based): chr6:152,239,600, A>G on the plus strand (T>C on the coding strand, the complement: SYNE1 is on the minus strand). VCF-style: chr6-152239600-A-G. GRCh37 (hg19) VCF-style: chr6-152560735-A-G.
Other names: c.19787T>C (NM_033071.3); c.19787T>C, p.Met6596Thr (NM_033071.5); short protein forms M6596T, M6667T.
Identifiers: ClinVar variation 1369326 (VCV001369326.8), dbSNP rs2085071185, ClinGen allele CA366126454.
Genomic context (GRCh38, chr6:152,239,600, plus strand): 5'-ATGTACTCCAGCTCCACACCCCTCTTGTGAGCCCGTTTCAGTACAGCAGAAGCCTGAGCC[A>G]TCAGCTCTGTATGGAACTGGGTTTCCTTTTGGACTGCAAAGCTGATTATCTTTCTGAAGA-3'
Protein context (NP_892006.3, residues 6657-6677): QKETQFHTEL[Met6667Thr]AQASAVLKRA